The following is an entry in ClinVar:

NM_001329943.3(KIAA0586):c.1048_1049insACA (p.Pro350delinsHisThr)

Gene: KIAA0586 (KIAA0586; plus strand). Cytogenetic location: 14q23.1.
Variant type: Insertion.
Coding change: c.1048_1049insACA on transcript NM_001329943.3 (MANE Select); coding-DNA positions 1048 to 1049, ACA inserted.
Protein change: p.Pro350delinsHisThr.
Molecular consequence: inframe indel.
Genome position: GRCh38 VCF-style: chr14-58450665-C-CACA. GRCh37 (hg19) VCF-style: chr14-58917383-C-CACA.
Other names: c.1207_1208insACA, p.Pro403delinsHisThr (NM_001244189.2); c.1003_1004insACA, p.Pro335delinsHisThr (NM_001244190.2); c.793_794insACA, p.Pro265delinsHisThr (NM_001244191.2, NM_001329945.2, NM_001364700.1 and 1 more transcripts); c.916_917insACA, p.Pro306delinsHisThr (NM_001244192.2); c.628_629insACA, p.Pro210delinsHisThr (NM_001244193.2); c.1048_1049insACA, p.Pro350delinsHisThr (NM_001329944.2, NM_001329946.2, NM_001329947.2 and 1 more transcripts).
Identifiers: ClinVar variation 1472389 (VCV001472389.6), dbSNP rs1406399353, ClinGen allele CA707256918.

ClinVar aggregate classification (germline): Uncertain significance (1 of 4 stars; one submission).

Conditions:
Joubert syndrome 23 (JBTS23). Identifiers: Orphanet 475, MedGen C4084822, MONDO:0014664, OMIM 616490.
Short-rib thoracic dysplasia 14 with polydactyly (SRTD14). Identifiers: Orphanet 397715, MedGen C4225286, MONDO:0014688, OMIM 616546.

Allele frequency attached by ClinVar (database versions not stated): TOPMed below 0.00001; gnomAD 0.00001.

Submission:

Labcorp Genetics (formerly Invitae), Labcorp
Classification: Uncertain significance for Joubert syndrome 23; Short-rib thoracic dysplasia 14 with polydactyly. Last evaluated: 2021-09-17. Review status: criteria provided, single submitter. Criteria: Invitae Variant Classification Sherloc (09022015). Collection method: clinical testing. Allele origin: germline.
Comment: This variant, c.1207_1208insACA, is a complex sequence change that results in the deletion of 1 and insertion of 2 amino acid(s) in the KIAA0586 protein (p.Pro403delinsHisThr). This variant is not present in population databases (ExAC no frequency). This variant has not been reported in the literature in individuals affected with KIAA0586-related conditions. Experimental studies and prediction algorithms are not available or were not evaluated, and the functional significance of this variant is currently unknown. In summary, the available evidence is currently insufficient to determine the role of this variant in disease. Therefore, it has been classified as a Variant of Uncertain Significance.